The following is an entry in ClinVar:

NM_019066.5(MAGEL2):c.2019G>A (p.Pro673=)

Gene: MAGEL2 (MAGE family member L2; minus strand). Cytogenetic location: 15q11.2.
Variant type: single nucleotide variant.
Coding change: c.2019G>A on transcript NM_019066.5 (MANE Select); coding-DNA position 2019, G replaced by A.
Protein change: p.Pro673=; no amino-acid change (proline 673 retained).
Molecular consequence: synonymous variant.
Genome position (GRCh38, 1-based): chr15:23,645,724, C>T on the plus strand (G>A on the coding strand, the complement: MAGEL2 is on the minus strand). VCF-style: chr15-23645724-C-T. GRCh37 (hg19) VCF-style: chr15-23890871-C-T.
Identifiers: ClinVar variation 2644987 (VCV002644987.24), dbSNP rs1432056131, ClinGen allele CA489228938.
Genomic context (GRCh38, chr15:23,645,724, plus strand): 5'-CAAGACTGCAGGCGGTGCCTGCCAGGAAGGCTGGAGCGGCAGTGTGGGCACCTCCGCTTG[C>T]GGACCCGATGCCTGGGCCTGCTGGGGGGGTAGCTGGATTTGCACGGCTTTTTGGGAGGGC-3'
Protein context (NP_061939.3, residues 663-683): LPPQQAQASG[Pro673=]QAEVPTLPLQ

ClinVar aggregate classification (germline): Likely benign (1 of 4 stars; one submission).

Submission:

CeGaT Center for Human Genetics Tuebingen
Classification: Likely benign. Last evaluated: 2023-04-01. Review status: criteria provided, single submitter. Criteria: CeGaT Center For Human Genetics Tuebingen Variant Classification Criteria Version 2. Collection method: clinical testing. Allele origin: germline. Affected: yes. Observed: 1 variant allele.
Comment: MAGEL2: BP4, BP7